The following is an entry in ClinVar:

NM_001709.5(BDNF):c.382C>T (p.Arg128Cys)

Genes: BDNF (brain derived neurotrophic factor; minus strand), BDNF-AS (BDNF antisense RNA; plus strand). Cytogenetic location: 11p14.1.
Variant type: single nucleotide variant.
Coding change: c.382C>T on transcript NM_001709.5 (MANE Select); coding-DNA position 382, C replaced by T.
Protein change: p.Arg128Cys; replaces arginine 128 with cysteine.
Molecular consequence: missense variant.
Genome position (GRCh38, 1-based): chr11:27,658,183, G>A on the plus strand (C>T on the coding strand, the complement: BDNF is on the minus strand). VCF-style: chr11-27658183-G-A. GRCh37 (hg19) VCF-style: chr11-27679730-G-A.
Other names: c.382C>T, p.Arg128Cys (NM_001143805.1, NM_001143806.1, NM_001143807.2 and 9 more transcripts); c.469C>T, p.Arg157Cys (NM_001143809.2); c.628C>T, p.Arg210Cys (NM_001143810.2); c.406C>T, p.Arg136Cys (NM_170731.5); c.427C>T, p.Arg143Cys (NM_170734.4); short protein forms R136C, R143C, R210C, R157C, R128C.
Identifiers: ClinVar variation 4726955 (VCV004726955.1).

ClinVar aggregate classification (germline): Uncertain significance (1 of 4 stars; one submission).

Submission:

Labcorp Genetics (formerly Invitae), Labcorp
Classification: Uncertain significance. Last evaluated: 2025-09-10. Review status: criteria provided, single submitter. Criteria: Invitae Variant Classification Sherloc (09022015). Collection method: clinical testing. Allele origin: germline.
Comment: This sequence change replaces arginine, which is basic and polar, with cysteine, which is neutral and slightly polar, at codon 128 of the BDNF protein (p.Arg128Cys). This variant is not present in population databases (gnomAD no frequency). This variant has not been reported in the literature in individuals affected with BDNF-related conditions. Experimental studies and prediction algorithms are not available or were not evaluated, and the functional significance of this variant is currently unknown. In summary, the available evidence is currently insufficient to determine the role of this variant in disease. Therefore, it has been classified as a Variant of Uncertain Significance.